The following is an entry in ClinVar:

NM_001605.3(AARS1):c.1492+5G>A

Gene: AARS1 (alanyl-tRNA synthetase 1; minus strand). Cytogenetic location: 16q22.1.
Variant type: single nucleotide variant.
Coding change: c.1492+5G>A on transcript NM_001605.3 (MANE Select); 5 bases into the intron after coding-DNA position 1492, G replaced by A.
Molecular consequence: intron variant.
Genome position (GRCh38, 1-based): chr16:70,264,953, C>T on the plus strand (G>A on the coding strand, the complement: AARS1 is on the minus strand). VCF-style: chr16-70264953-C-T. GRCh37 (hg19) VCF-style: chr16-70298856-C-T.
Identifiers: ClinVar variation 1682221 (VCV001682221.6), dbSNP rs2152158281, ClinGen allele CA2573152538.
Genomic context (GRCh38, chr16:70,264,953, plus strand): 5'-ATCTTTCAAATACCCCCCAGATACGGGGCAGAATGCTCAGATGTGGAAGGAGCACAGCAA[C>T]ATACCATAGCTACCACTGGAGTCCAAATGGTAATTGTACTTTGGGGAATCATCTGTGACC-3'

ClinVar aggregate classification (germline): Uncertain significance (1 of 4 stars; one submission).

Conditions:
Charcot-Marie-Tooth disease type 2. Also called: Charcot-Marie-Tooth type 2. Identifiers: Orphanet 64746, MedGen C0270914, MONDO:0018993.

Submission:

Labcorp Genetics (formerly Invitae), Labcorp
Classification: Uncertain significance for Charcot-Marie-Tooth disease type 2. Last evaluated: 2022-02-08. Review status: criteria provided, single submitter. Criteria: Invitae Variant Classification Sherloc (09022015). Collection method: clinical testing. Allele origin: germline.
Comment: This variant has not been reported in the literature in individuals affected with AARS-related conditions. In summary, the available evidence is currently insufficient to determine the role of this variant in disease. Therefore, it has been classified as a Variant of Uncertain Significance. Variants that disrupt the consensus splice site are a relatively common cause of aberrant splicing (PMID: 17576681, 9536098). Algorithms developed to predict the effect of sequence changes on RNA splicing suggest that this variant may disrupt the consensus splice site. This variant is not present in population databases (gnomAD no frequency). This sequence change falls in intron 11 of the AARS gene. It does not directly change the encoded amino acid sequence of the AARS protein. It affects a nucleotide within the consensus splice site.

Literature cited by the submitters: PubMed 17576681; PubMed 9536098.